The following is an entry in ClinVar:

ClinVar aggregate classification (germline): Uncertain significance (1 of 4 stars; one submission).

Submission:

Labcorp Genetics (formerly Invitae), Labcorp
Classification: Uncertain significance. Last evaluated: 2020-12-11. Review status: criteria provided, single submitter. Criteria: Invitae Variant Classification Sherloc (09022015). Collection method: clinical testing. Allele origin: germline.
Comment: In summary, the available evidence is currently insufficient to determine the role of this variant in disease. Therefore, it has been classified as a Variant of Uncertain Significance. Experimental studies and prediction algorithms are not available or were not evaluated, and the functional significance of this variant is currently unknown. This variant has not been reported in the literature in individuals with KCNQ5-related conditions. This variant results in a copy number gain of the genomic region encompassing exon(s) 12-15 of the KCNQ5 gene. The 5' boundary is likely confined to intron 11. The 3' end of this event is unknown as it extends beyond the assayed region for this gene and therefore may encompass additional genes. As the precise location of this event is unknown, it may be in tandem or it may be located elsewhere in the genome.

NC_000006.11:g.(?_73879449)_(74210458_?)dup

Genes: KHDC1L (KH domain containing 1 like; minus strand), CGAS (cyclic GMP-AMP synthase; minus strand), DDX43 (DEAD-box helicase 43; plus strand), DPPA5 (developmental pluripotency associated 5; minus strand), KCNQ5 (potassium voltage-gated channel subfamily Q member 5; plus strand) and 4 more. Cytogenetic location: 6q13.
Variant type: Duplication.
Identifiers: ClinVar variation 1410289 (VCV001410289.4).